The following is an entry in ClinVar:

ClinVar aggregate classification (germline): Uncertain significance (1 of 4 stars; one submission).

Conditions:
Fanconi anemia complementation group J. Also called: BRIP1-Related Fanconi Anemia. Identifiers: Orphanet 84, MedGen C1836860, MONDO:0012187, OMIM 609054.
Familial cancer of breast. Also called: BREAST CANCER, FAMILIAL; Hereditary breast cancer; hereditary breast carcinoma. Identifiers: Orphanet 227535, MedGen C0346153, MONDO:0016419, OMIM 114480. Disease mechanism: loss of function.

Submission:

Labcorp Genetics (formerly Invitae), Labcorp
Classification: Uncertain significance for Familial cancer of breast; Fanconi anemia complementation group J. Last evaluated: 2024-10-24. Review status: criteria provided, single submitter. Criteria: Invitae Variant Classification Sherloc (09022015). Collection method: clinical testing. Allele origin: germline.
Comment: This sequence change replaces isoleucine, which is neutral and non-polar, with phenylalanine, which is neutral and non-polar, at codon 519 of the BRIP1 protein (p.Ile519Phe). This variant is not present in population databases (gnomAD no frequency). This variant has not been reported in the literature in individuals affected with BRIP1-related conditions. ClinVar contains an entry for this variant (Variation ID: 1493322). Invitae Evidence Modeling of protein sequence and biophysical properties (such as structural, functional, and spatial information, amino acid conservation, physicochemical variation, residue mobility, and thermodynamic stability) indicates that this missense variant is expected to disrupt BRIP1 protein function with a positive predictive value of 95%. In summary, the available evidence is currently insufficient to determine the role of this variant in disease. Therefore, it has been classified as a Variant of Uncertain Significance.

NM_032043.3(BRIP1):c.1555A>T (p.Ile519Phe)

Gene: BRIP1 (BRCA1 interacting DNA helicase 1; minus strand). Cytogenetic location: 17q23.2.
Variant type: single nucleotide variant.
Coding change: c.1555A>T on transcript NM_032043.3 (MANE Select); coding-DNA position 1555, A replaced by T.
Protein change: p.Ile519Phe; replaces isoleucine 519 with phenylalanine.
Molecular consequence: missense variant.
Genome position (GRCh38, 1-based): chr17:61,784,343, T>A on the plus strand (A>T on the coding strand, the complement: BRIP1 is on the minus strand). VCF-style: chr17-61784343-T-A. GRCh37 (hg19) VCF-style: chr17-59861704-T-A.
Other names: short protein forms I519F.
Identifiers: ClinVar variation 1493322 (VCV001493322.9), dbSNP rs2145137902, ClinGen allele CA400481177.
Genomic context (GRCh38, chr17:61,784,343, plus strand): 5'-TAAAAAGATAGTCAAGTACCATAAAAAGTCCTTTAAGCATTATTTGAGTTGATGCACTAA[T>A]AACAGGTACTTCTCTTGCCTCCTCTTTACCATAAATTGGTGAGATTTTTTCCTCTTTTTG-3'
Protein context (NP_114432.2, residues 509-529): GKEEAREVPV[Ile519Phe]SASTQIMLKG